The following is an entry in ClinVar:

NM_001127644.2(GABRA1):c.831G>A (p.Glu277=)

Gene: GABRA1 (gamma-aminobutyric acid type A receptor subunit alpha1; plus strand). Cytogenetic location: 5q34.
Variant type: single nucleotide variant.
Coding change: c.831G>A on transcript NM_001127644.2 (MANE Select); coding-DNA position 831, G replaced by A.
Protein change: p.Glu277=; no amino-acid change (glutamic acid 277 retained).
Molecular consequence: synonymous variant.
Genome position (GRCh38, 1-based): chr5:161,891,025, G>A. VCF-style: chr5-161891025-G-A. GRCh37 (hg19) VCF-style: chr5-161318031-G-A.
Other names: p.E277E:GAG>GAA; c.831G>A, p.Glu277= (NM_000806.5, NM_001127643.2, NM_001127645.2 and 1 more transcripts).
Identifiers: ClinVar variation 205515 (VCV000205515.13), dbSNP rs764666718, ClinGen allele CA314661.

ClinVar aggregate classification (germline): Benign. Review status: criteria provided, multiple submitters, no conflicts (2 of 4 stars). 2 submissions from 2 submitters: Benign (2). Last evaluated 2025-08-29.

Conditions:
Idiopathic generalized epilepsy. Also called: EIG; Generalised epilepsy. Identifiers: MedGen C0270850, MONDO:0005579, OMIM 600669.
Epilepsy, childhood absence 4 (ECA4). Also called: EPILEPSY, CHILDHOOD ABSENCE, SUSCEPTIBILITY TO, 4. Identifiers: Orphanet 307, MedGen C1970160.
Epilepsy, idiopathic generalized, susceptibility to, 13. Also called: EPILEPSY, JUVENILE MYOCLONIC, SUSCEPTIBILITY TO, 5. Identifiers: Orphanet 307, Orphanet 64280, MedGen C4013473, MONDO:0012627, OMIM 611136.

Allele frequency attached by ClinVar (database versions not stated): gnomAD 0.00001; gnomAD exomes 0.00004 and 0.00018; TOPMed 0.00019; ExAC 0.00022.
gnomAD v4.1: 57 of 1,613,724 alleles (0.0035%); highest among the groups gnomAD compares: Admixed American, 0.078%; no homozygotes.

Submissions (2):

Labcorp Genetics (formerly Invitae), Labcorp
Classification: Benign for Epilepsy, childhood absence 4; Epilepsy, idiopathic generalized, susceptibility to, 13; Idiopathic generalized epilepsy. Last evaluated: 2025-08-29. Review status: criteria provided, single submitter. Criteria: Invitae Variant Classification Sherloc (09022015). Collection method: clinical testing. Allele origin: germline.

GeneDx
Classification: Benign. Last evaluated: 2015-01-06. Review status: criteria provided, single submitter. Criteria: GeneDx Variant Classification (06012015). Collection method: clinical testing. Allele origin: germline. Affected: yes.
Comment: This variant is considered likely benign or benign based on one or more of the following criteria: it is a conservative change, it occurs at a poorly conserved position in the protein, it is predicted to be benign by multiple in silico algorithms, and/or has population frequency not consistent with disease.